The following is an entry in ClinVar:

NM_000264.5(PTCH1):c.3639C>A (p.His1213Gln)

Gene: PTCH1 (patched 1; minus strand). Cytogenetic location: 9q22.32.
Variant type: single nucleotide variant.
Coding change: c.3639C>A on transcript NM_000264.5 (MANE Select); coding-DNA position 3639, C replaced by A.
Protein change: p.His1213Gln; replaces histidine 1213 with glutamine.
Molecular consequence: missense variant. On other transcripts: non-coding transcript variant (1).
Genome position (GRCh38, 1-based): chr9:95,449,234, G>T on the plus strand (C>A on the coding strand, the complement: PTCH1 is on the minus strand). VCF-style: chr9-95449234-G-T. GRCh37 (hg19) VCF-style: chr9-98211516-G-T.
Other names: c.3441C>A, p.His1147Gln (NM_001083602.3); c.3636C>A, p.His1212Gln (NM_001083603.3); c.3186C>A, p.His1062Gln (NM_001083604.3, NM_001083605.3, NM_001083606.3 and 1 more transcripts); c.3483C>A, p.His1161Gln (NM_001354918.2); short protein forms H1062Q, H1147Q, H1213Q, H1212Q, H1161Q.
Identifiers: ClinVar variation 4146901 (VCV004146901.1).
Genomic context (GRCh38, chr9:95,449,234, plus strand): 5'-GCCTGACACTGTCGTCTGGGAACTATACTCCGAGTCGGAGGAATCAGACCCGCTGTGCGT[G>T]TGGCCGGGCGGCATGGCGAAGCGGACCACGCTGGGGGGTGGCTCAGGGGAGGGTGTGGGC-3'
Protein context (NP_000255.2, residues 1203-1223): SVVRFAMPPG[His1213Gln]THSGSDSSDS

ClinVar aggregate classification (germline): Uncertain significance (1 of 4 stars; one submission).

Conditions:
Hereditary cancer-predisposing syndrome. Also called: Hereditary neoplastic syndrome; Neoplastic Syndromes, Hereditary; Tumor predisposition; Hereditary Cancer Syndrome. Identifiers: Orphanet 140162, MedGen C0027672, MeSH D009386, MONDO:0015356.

Submission:

Ambry Genetics
Classification: Uncertain significance for Hereditary cancer-predisposing syndrome. Last evaluated: 2025-08-31. Review status: criteria provided, single submitter. Criteria: Ambry Variant Classification Scheme 2023. Collection method: clinical testing. Allele origin: germline.
Comment: The p.H1213Q variant (also known as c.3639C>A), located in coding exon 22 of the PTCH1 gene, results from a C to A substitution at nucleotide position 3639. The histidine at codon 1213 is replaced by glutamine, an amino acid with highly similar properties. This amino acid position is conserved. In addition, this alteration is predicted to be tolerated by in silico analysis. Based on the available evidence, the clinical significance of this variant remains unclear.